The following is an entry in ClinVar:

NM_002709.3(PPP1CB):c.350T>A (p.Phe117Tyr)

Gene: PPP1CB (protein phosphatase 1 catalytic subunit beta; plus strand). Cytogenetic location: 2p23.2.
Variant type: single nucleotide variant.
Coding change: c.350T>A on transcript NM_002709.3 (MANE Select); coding-DNA position 350, T replaced by A.
Protein change: p.Phe117Tyr; replaces phenylalanine 117 with tyrosine.
Molecular consequence: missense variant.
Genome position (GRCh38, 1-based): chr2:28,778,974, T>A. VCF-style: chr2-28778974-T-A. GRCh37 (hg19) VCF-style: chr2-29001840-T-A.
Other names: c.350T>A, p.Phe117Tyr (NM_206876.2); short protein forms F117Y.
Identifiers: ClinVar variation 5027226 (VCV005027226.1).

ClinVar aggregate classification (germline): Uncertain significance (1 of 4 stars; one submission).

Conditions:
Cardiovascular phenotype. Identifiers: MedGen CN230736.

Submission:

Ambry Genetics
Classification: Uncertain significance for Cardiovascular phenotype. Last evaluated: 2026-08-03. Review status: criteria provided, single submitter. Criteria: Ambry Variant Classification Scheme 2023. Collection method: clinical testing. Allele origin: germline.
Comment: The p.F117Y variant (also known as c.350T>A), located in coding exon 3 of the PPP1CB gene, results from a T to A substitution at nucleotide position 350. The phenylalanine at codon 117 is replaced by tyrosine, an amino acid with highly similar properties. This amino acid position is conserved. In addition, this alteration is predicted to be deleterious by in silico analysis. Based on the available evidence, the clinical significance of this variant remains unclear.